The following is an entry in ClinVar:

ClinVar aggregate classification (germline): Uncertain significance. Review status: criteria provided, multiple submitters, no conflicts (2 of 4 stars). 2 submissions from 2 submitters: Uncertain significance (2). Last evaluated 2023-12-05.

Conditions:
Hereditary cancer-predisposing syndrome. Also called: Hereditary Cancer Syndrome; Neoplastic Syndromes, Hereditary; Tumor predisposition; Hereditary neoplastic syndrome. Identifiers: Orphanet 140162, MedGen C0027672, MeSH D009386, MONDO:0015356.

gnomAD v4.1: 2 of 1,614,232 alleles (0.00012%); no homozygotes.

Submissions (2):

Color Diagnostics, LLC DBA Color Health
Classification: Uncertain significance for Hereditary cancer-predisposing syndrome. Last evaluated: 2023-12-05. Review status: criteria provided, single submitter. Criteria: ACMG Guidelines, 2015. Collection method: clinical testing. Allele origin: germline.
Comment: This missense variant replaces leucine with valine at codon 1618 of the APC protein. Computational prediction suggests that this variant may not impact protein structure and function (internally defined REVEL score threshold <= 0.5, PMID: 27666373). To our knowledge, functional studies have not been reported for this variant. This variant has not been reported in individuals affected with APC-related disorders in the literature. This variant has not been identified in the general population by the Genome Aggregation Database (gnomAD). The available evidence is insufficient to determine the role of this variant in disease conclusively. Therefore, this variant is classified as a Variant of Uncertain Significance.

Ambry Genetics
Classification: Uncertain significance for Hereditary cancer-predisposing syndrome. Last evaluated: 2018-01-23. Review status: criteria provided, single submitter. Criteria: Ambry Variant Classification Scheme 2023. Collection method: clinical testing. Allele origin: germline.
Comment: The p.L1618V variant (also known as c.4852C>G), located in coding exon 15 of the APC gene, results from a C to G substitution at nucleotide position 4852. The leucine at codon 1618 is replaced by valine, an amino acid with highly similar properties. This amino acid position is well conserved in available vertebrate species. In addition, in silico predictors for this gene do not accurately predict pathogenicity. Since supporting evidence is limited at this time, the clinical significance of this alteration remains unclear.

NM_000038.6(APC):c.4852C>G (p.Leu1618Val)

Gene: APC (APC regulator of Wnt signaling pathway; plus strand). Cytogenetic location: 5q22.2.
Variant type: single nucleotide variant.
Coding change: c.4852C>G on transcript NM_000038.6 (MANE Select); coding-DNA position 4852, C replaced by G.
Protein change: p.Leu1618Val; replaces leucine 1618 with valine.
Molecular consequence: missense variant.
Genome position (GRCh38, 1-based): chr5:112,840,446, C>G. VCF-style: chr5-112840446-C-G. GRCh37 (hg19) VCF-style: chr5-112176143-C-G.
Other names: c.4852C>G, p.Leu1618Val (NM_001127510.3, NM_001354895.2); c.4798C>G, p.Leu1600Val (NM_001127511.3); c.4906C>G, p.Leu1636Val (NM_001354896.2); c.4882C>G, p.Leu1628Val (NM_001354897.2); c.4777C>G, p.Leu1593Val (NM_001354898.2); c.4768C>G, p.Leu1590Val (NM_001354899.2); c.4729C>G, p.Leu1577Val (NM_001354900.2); c.4675C>G, p.Leu1559Val (NM_001354901.2); and 5 more; short protein forms L1600V, L1618V, L1492V, L1458V, L1577V, L1593V, L1517V, L1527V.
Identifiers: ClinVar variation 489460 (VCV000489460.10), dbSNP rs1554086245, ClinGen allele CA16031962.